The following is an entry in ClinVar:

ClinVar aggregate classification (germline): not provided (0 of 4 stars; one submission).

Allele frequency attached by ClinVar (database versions not stated): gnomAD 0.00003 and 0.00006; TOPMed 0.00005; 1000 Genomes Project 0.00080; 1000 Genomes Project 30x 0.00094.
gnomAD v4.1: 9 of 152,238 alleles (0.0059%); highest among the groups gnomAD compares: East Asian, 0.17%; no homozygotes.

Submission:

Human Evolutionary Genetics, Institut Pasteur
No classification provided. Review status: no classification provided. Collection method: not provided. Allele origin: germline.
ClinVar note: Converted during submission from untested to not provided.

NM_033004.4(NLRP1):c.271+181G>A

Gene: NLRP1 (NLR family pyrin domain containing 1; minus strand). Cytogenetic location: 17p13.2.
Variant type: single nucleotide variant.
Coding change: c.271+181G>A on transcript NM_033004.4 (MANE Select); 181 bases into the intron after coding-DNA position 271, G replaced by A.
Molecular consequence: intron variant.
Genome position (GRCh38, 1-based): chr17:5,583,506, C>T on the plus strand (G>A on the coding strand, the complement: NLRP1 is on the minus strand). VCF-style: chr17-5583506-C-T. GRCh37 (hg19) VCF-style: chr17-5486826-C-T.
Other names: c.271+181G>A (NM_001033053.3, NM_033007.4, NM_033006.4 and 1 more transcripts).
Identifiers: ClinVar variation 103018 (VCV000103018.2), dbSNP rs199476206, ClinGen allele CA018455.